The following is an entry in ClinVar:

NM_001379286.1(ZNF423):c.3640A>G (p.Met1214Val)

Gene: ZNF423 (zinc finger protein 423; minus strand). Cytogenetic location: 16q12.1.
Variant type: single nucleotide variant.
Coding change: c.3640A>G on transcript NM_001379286.1 (MANE Select); coding-DNA position 3640, A replaced by G.
Protein change: p.Met1214Val; replaces methionine 1214 with valine.
Molecular consequence: missense variant.
Genome position (GRCh38, 1-based): chr16:49,525,456, T>C on the plus strand (A>G on the coding strand, the complement: ZNF423 is on the minus strand). VCF-style: chr16-49525456-T-C. GRCh37 (hg19) VCF-style: chr16-49559367-T-C.
Other names: c.3436A>G, p.Met1146Val (NM_001271620.2); c.3265A>G, p.Met1089Val (NM_001330533.2); c.3616A>G, p.Met1206Val (NM_015069.5); short protein forms M1089V, M1206V, M1146V, M1214V.
Identifiers: ClinVar variation 1047427 (VCV001047427.8), dbSNP rs1968565957, ClinGen allele CA395830463.
Genomic context (GRCh38, chr16:49,525,456, plus strand): 5'-CCATGCCCTCGAAGCTGTGCTCAATGAGGTGACAGAGGAGCTTGGCCGGGGAGTCGAACA[T>C]CTGGTTGCACAGCTTACACTCGTGGTTGATGCCTTCCTCTGCAAGGAAAACCCGTGACCA-3'
Protein context (NP_001366215.1, residues 1204-1224): INHECKLCNQ[Met1214Val]FDSPAKLLCH

ClinVar aggregate classification (germline): Uncertain significance (1 of 4 stars; one submission).

Conditions:
Nephronophthisis 14 (NPHP14). Identifiers: Orphanet 2318, MedGen C3539071, MONDO:0013916, OMIM 614844.

Allele frequency attached by ClinVar (database versions not stated): gnomAD exomes below 0.00001.

Submission:

Labcorp Genetics (formerly Invitae), Labcorp
Classification: Uncertain significance for Nephronophthisis 14. Last evaluated: 2020-10-09. Review status: criteria provided, single submitter. Criteria: Invitae Variant Classification Sherloc (09022015). Collection method: clinical testing. Allele origin: germline.
Comment: Algorithms developed to predict the effect of missense changes on protein structure and function (SIFT, PolyPhen-2, Align-GVGD) all suggest that this variant is likely to be tolerated, but these predictions have not been confirmed by published functional studies and their clinical significance is uncertain. This variant has not been reported in the literature in individuals with ZNF423-related conditions. This variant is not present in population databases (ExAC no frequency). This sequence change replaces methionine with valine at codon 1206 of the ZNF423 protein (p.Met1206Val). The methionine residue is weakly conserved and there is a small physicochemical difference between methionine and valine. Algorithms developed to predict the effect of sequence changes on RNA splicing suggest that this variant may create or strengthen a splice site, but this prediction has not been confirmed by published transcriptional studies. In summary, the available evidence is currently insufficient to determine the role of this variant in disease. Therefore, it has been classified as a Variant of Uncertain Significance.